The following is an entry in ClinVar:

ClinVar aggregate classification (germline): Pathogenic (1 of 4 stars; one submission).

Conditions:
Hereditary hemorrhagic telangiectasia (HHT). Also called: ORW DISEASE; Osler Weber Rendu syndrome; OSLER-RENDU-WEBER DISEASE; Osler hemorrhagic telangiectasia syndrome. Identifiers: Orphanet 774, MedGen C0039445, MONDO:0019180. Disease mechanism: loss of function.

Submission:

Labcorp Genetics (formerly Invitae), Labcorp
Classification: Pathogenic for Hereditary hemorrhagic telangiectasia. Last evaluated: 2025-06-11. Review status: criteria provided, single submitter. Criteria: Invitae Variant Classification Sherloc (09022015). Collection method: clinical testing. Allele origin: germline.
Comment: This sequence change creates a premature translational stop signal (p.Glu94*) in the ENG gene. It is expected to result in an absent or disrupted protein product. Loss-of-function variants in ENG are known to be pathogenic (PMID: 15879500). This variant is not present in population databases (gnomAD no frequency). This variant has not been reported in the literature in individuals affected with ENG-related conditions. ClinVar contains an entry for this variant (Variation ID: 664833). For these reasons, this variant has been classified as Pathogenic.

Literature cited by the submitters: PubMed 15879500.

NM_001114753.3(ENG):c.280G>T (p.Glu94Ter)

Gene: ENG (endoglin; minus strand). Cytogenetic location: 9q34.11.
Variant type: single nucleotide variant.
Coding change: c.280G>T on transcript NM_001114753.3 (MANE Select); coding-DNA position 280, G replaced by T.
Protein change: p.Glu94Ter; replaces glutamic acid 94 with a stop codon.
Molecular consequence: nonsense. On other transcripts: 5 prime UTR variant (1).
Genome position (GRCh38, 1-based): chr9:127,829,767, C>A on the plus strand (G>T on the coding strand, the complement: ENG is on the minus strand). VCF-style: chr9-127829767-C-A. GRCh37 (hg19) VCF-style: chr9-130592046-C-A.
Other names: c.280G>T, p.Glu94Ter (NM_000118.4, NM_001406715.1); c.-267G>T (NM_001278138.2); short protein forms E94*.
Identifiers: ClinVar variation 664833 (VCV000664833.8), dbSNP rs1588585941, ClinGen allele CA374986150.